The following is an entry in ClinVar:

NM_001035.3(RYR2):c.6298C>T (p.Arg2100Trp)

Gene: RYR2 (ryanodine receptor 2; plus strand). Cytogenetic location: 1q43.
Variant type: single nucleotide variant.
Coding change: c.6298C>T on transcript NM_001035.3 (MANE Select); coding-DNA position 6298, C replaced by T.
Protein change: p.Arg2100Trp; replaces arginine 2100 with tryptophan.
Molecular consequence: missense variant.
Genome position (GRCh38, 1-based): chr1:237,627,938, C>T. VCF-style: chr1-237627938-C-T. GRCh37 (hg19) VCF-style: chr1-237791238-C-T.
Other names: c.6298C>T, p.Arg2100Trp (LRG_402t1); short protein forms R2100W.
Identifiers: ClinVar variation 633399 (VCV000633399.18), dbSNP rs753164125, ClinGen allele CA087088.

ClinVar aggregate classification (germline): Uncertain significance. Review status: criteria provided, multiple submitters, no conflicts (2 of 4 stars). 6 submissions from 6 submitters: Uncertain significance (6). Last evaluated 2025-09-12.

Conditions:
Cardiomyopathy (CMYO). Also called: Cardiomyopathies. Identifiers: Orphanet 167848, MedGen C0878544, MONDO:0004994, HP:0001638. Inheritance: Various modes of inheritance.
Arrhythmogenic right ventricular dysplasia 2. Identifiers: MedGen C1832931.
Ventricular arrhythmias due to cardiac ryanodine receptor calcium release deficiency syndrome. Also called: Autosomal dominant cardiac arrhythmia (Kuhn). Identifiers: MedGen C5542154, MONDO:0020745, OMIM 115000.
Catecholaminergic polymorphic ventricular tachycardia 1. Also called: RYR2-Related Catecholaminergic Polymorphic Ventricular Tachycardia; VENTRICULAR TACHYCARDIA, CATECHOLAMINERGIC POLYMORPHIC, 1, WITH OR WITHOUT ATRIAL DYSFUNCTION AND/OR DILATED CARDIOMYOPATHY; VENTRICULAR TACHYCARDIA, STRESS-INDUCED POLYMORPHIC 1. Identifiers: Orphanet 3286, MedGen C1631597, MONDO:0011484, OMIM 604772.
Cardiovascular phenotype. Identifiers: MedGen CN230736.
Catecholaminergic polymorphic ventricular tachycardia (CVPT). Also called: Catecholamine-induced polymorphic ventricular tachycardia. Identifiers: Orphanet 3286, MedGen C5574922, MONDO:0017990.

Allele frequency attached by ClinVar (database versions not stated): gnomAD below 0.00001 and 0.00001; gnomAD exomes 0.00001 and 0.00002; ExAC 0.00002; TOPMed 0.00002.
gnomAD v4.1: 20 of 1,613,240 alleles (0.0012%); highest among the groups gnomAD compares: Admixed American, 0.0033%; no homozygotes.

Submissions (6):

Color Diagnostics, LLC DBA Color Health
Classification: Uncertain significance for Cardiomyopathy. Last evaluated: 2025-09-12. Review status: criteria provided, single submitter. Criteria: ACMG Guidelines, 2015. Collection method: clinical testing. Allele origin: germline.
Comment: This missense variant replaces arginine with tryptophan at codon 2100 of the RYR2 protein. Computational prediction suggests that this variant may have deleterious impact on protein structure and function. To our knowledge, functional studies have not been reported for this variant. This variant has not been reported in individuals affected with RYR2-related disorders in the literature. This variant has been identified in 5/249132 chromosomes in the general population by the Genome Aggregation Database (gnomAD). The available evidence is insufficient to determine the role of this variant in disease conclusively. Therefore, this variant is classified as a Variant of Uncertain Significance.

Labcorp Genetics (formerly Invitae), Labcorp
Classification: Uncertain significance for Catecholaminergic polymorphic ventricular tachycardia 1. Last evaluated: 2025-07-29. Review status: criteria provided, single submitter. Criteria: Invitae Variant Classification Sherloc (09022015). Collection method: clinical testing. Allele origin: germline.
Comment: This sequence change replaces arginine, which is basic and polar, with tryptophan, which is neutral and slightly polar, at codon 2100 of the RYR2 protein (p.Arg2100Trp). This variant is present in population databases (rs753164125, gnomAD 0.006%). This variant has not been reported in the literature in individuals affected with RYR2-related conditions. ClinVar contains an entry for this variant (Variation ID: 633399). Invitae Evidence Modeling of protein sequence and biophysical properties (such as structural, functional, and spatial information, amino acid conservation, physicochemical variation, residue mobility, and thermodynamic stability) has been performed for this missense variant. However, the output from this modeling did not meet the statistical confidence thresholds required to predict the impact of this variant on RYR2 protein function. In summary, the available evidence is currently insufficient to determine the role of this variant in disease. Therefore, it has been classified as a Variant of Uncertain Significance.

All of Us Research Program, National Institutes of Health
Classification: Uncertain significance for Catecholaminergic polymorphic ventricular tachycardia. Last evaluated: 2023-10-30. Review status: criteria provided, single submitter. Criteria: ACMG Guidelines, 2015. Collection method: clinical testing. Allele origin: germline. Inheritance: Autosomal dominant inheritance. Observed: 4 variant alleles, 4 heterozygotes.
Comment: This missense variant replaces arginine with tryptophan at codon 2100 of the RYR2 protein. Computational prediction suggests that this variant may have deleterious impact on protein structure and function (internally defined REVEL score threshold >= 0.7, PMID: 27666373). Splice site prediction tools suggest that this variant may not impact RNA splicing. To our knowledge, functional studies have not been performed for this variant. This variant has not been reported in individuals affected with cardiovascular disorders in the literature. This variant has been identified in 5/249132 chromosomes in the general population by the Genome Aggregation Database (gnomAD). The available evidence is insufficient to determine the role of this variant in disease conclusively. Therefore, this variant is classified as a Variant of Uncertain Significance.

This study involves interpretation of variants in research participants for the purpose of population health screening. Participant phenotype was not available at the time of variant classification. Additional details can be found in publication PMID: 35346344, PMCID: PMC8962531

Ambry Genetics
Classification: Uncertain significance for Cardiovascular phenotype. Last evaluated: 2022-03-21. Review status: criteria provided, single submitter. Criteria: Ambry Variant Classification Scheme 2023. Collection method: clinical testing. Allele origin: germline.
Comment: The p.R2100W variant (also known as c.6298C>T), located in coding exon 41 of the RYR2 gene, results from a C to T substitution at nucleotide position 6298. The arginine at codon 2100 is replaced by tryptophan, an amino acid with dissimilar properties. This amino acid position is well conserved in available vertebrate species. In addition, the in silico prediction for this alteration is inconclusive. Since supporting evidence is limited at this time, the clinical significance of this alteration remains unclear.

Fulgent Genetics
Classification: Uncertain significance for Ventricular arrhythmias due to cardiac ryanodine receptor calcium release deficiency syndrome; Catecholaminergic polymorphic ventricular tachycardia 1. Last evaluated: 2021-11-14. Review status: criteria provided, single submitter. Criteria: ACMG Guidelines, 2015. Collection method: clinical testing. Allele origin: unknown.

Women's Health and Genetics/Laboratory Corporation of America, LabCorp
Classification: Uncertain significance. Last evaluated: 2018-06-04. Review status: criteria provided, single submitter. Criteria: LabCorp Variant Classification Summary - May 2015. Collection method: clinical testing. Allele origin: germline.
Comment: Variant summary: RYR2 c.6298C>T (p.Arg2100Trp) results in a non-conservative amino acid change in the encoded protein sequence. Five of five in-silico tools predict a damaging effect of the variant on protein function. The variant allele was found at a frequency of 2e-05 in 246108 control chromosomes. The observed variant frequency is close to the estimated maximal expected allele frequency for a pathogenic variant in RYR2 causing Cardiomyopathy (0.000025), suggesting that the variant is possibly benign. Although the total number of occurrence is small. To our knowledge, no occurrence of c.6298C>T in individuals affected with Cardiomyopathy and no experimental evidence demonstrating its impact on protein function have been reported. No clinical diagnostic laboratories have submitted clinical-significance assessments for this variant to ClinVar after 2014. Based on the evidence outlined above, the variant was classified as uncertain significance.